The following is an entry in ClinVar:

NM_000143.4(FH):c.555+3C>A

Gene: FH (fumarate hydratase; minus strand). Cytogenetic location: 1q43.
Variant type: single nucleotide variant.
Coding change: c.555+3C>A on transcript NM_000143.4 (MANE Select); 3 bases into the intron after coding-DNA position 555, C replaced by A.
Molecular consequence: intron variant.
Genome position (GRCh38, 1-based): chr1:241,511,964, G>T on the plus strand (C>A on the coding strand, the complement: FH is on the minus strand). VCF-style: chr1-241511964-G-T. GRCh37 (hg19) VCF-style: chr1-241675264-G-T.
Identifiers: ClinVar variation 855136 (VCV000855136.13), dbSNP rs1660094654, ClinGen allele CA916081299.
Genomic context (GRCh38, chr1:241,511,964, plus strand): 5'-AAGAACAATCTCAGGTATGCTTTTCAATTTATAACCAAAAAACAGCAAAGCTCACATACT[G>T]ACCTGGCTTTTATTAACATGATCGTTGGGATGCACAGGTATCTTGCTGCCAAGTTCACCT-3'

ClinVar aggregate classification (germline): Uncertain significance. Review status: criteria provided, single submitter (1 of 4 stars). 2 submissions from 2 submitters: Uncertain significance (1). 1 of the submissions does not count toward it. Last evaluated 2024-02-23.

Conditions:
Fumarase deficiency (FMRD). Also called: Fumarate Hydratase Deficiency; Fumaric aciduria. Identifiers: Orphanet 24, MedGen C0342770, MONDO:0011730, OMIM 606812.

Allele frequency attached by ClinVar (database versions not stated): gnomAD exomes 0.00001.
gnomAD v4.1: 3 of 1,613,682 alleles (0.00019%); highest among the groups gnomAD compares: South Asian, 0.0033%; no homozygotes.

Submissions (2):

Labcorp Genetics (formerly Invitae), Labcorp
Classification: Uncertain significance. Last evaluated: 2024-02-23. Review status: criteria provided, single submitter. Criteria: Invitae Variant Classification Sherloc (09022015). Collection method: clinical testing. Allele origin: germline.
Comment: This sequence change falls in intron 4 of the FH gene. It does not directly change the encoded amino acid sequence of the FH protein. It affects a nucleotide within the consensus splice site. This variant is not present in population databases (gnomAD no frequency). This variant has not been reported in the literature in individuals affected with FH-related conditions. ClinVar contains an entry for this variant (Variation ID: 855136). Variants that disrupt the consensus splice site are a relatively common cause of aberrant splicing (PMID: 17576681, 9536098). Algorithms developed to predict the effect of sequence changes on RNA splicing suggest that this variant is not likely to affect RNA splicing. In summary, the available evidence is currently insufficient to determine the role of this variant in disease. Therefore, it has been classified as a Variant of Uncertain Significance.

Natera, Inc.
Classification: Uncertain significance for Fumarase Deficiency. Last evaluated: 2020-09-02. Review status: no assertion criteria provided. Collection method: clinical testing. Allele origin: germline. Not counted in ClinVar's aggregate classification.

Literature cited by the submitters: PubMed 17576681 (cited by Labcorp Genetics (formerly Invitae), Labcorp); PubMed 9536098 (cited by Labcorp Genetics (formerly Invitae), Labcorp).